The following is an entry in ClinVar:

ClinVar aggregate classification (germline): Uncertain significance (1 of 4 stars; one submission).

Conditions:
Hereditary cancer-predisposing syndrome. Also called: Neoplastic Syndromes, Hereditary; Tumor predisposition; Hereditary Cancer Syndrome; Hereditary neoplastic syndrome. Identifiers: Orphanet 140162, MedGen C0027672, MeSH D009386, MONDO:0015356.

Submission:

Ambry Genetics
Classification: Uncertain significance for Hereditary cancer-predisposing syndrome. Last evaluated: 2025-11-06. Review status: criteria provided, single submitter. Criteria: Ambry Variant Classification Scheme 2023. Collection method: clinical testing. Allele origin: germline.
Comment: The c.357_361delTCTCT variant, located in coding exon 5 of the POLE gene, results from a deletion of 5 nucleotides at nucleotide positions 357 to 361, causing a translational frameshift with a predicted alternate stop codon (p.L120Qfs*82). This alteration is expected to result in loss of function by premature protein truncation or nonsense-mediated mRNA decay. Although biallelic loss of function of POLE has been associated with autosomal recessive POLE deficiency, haploinsufficiency of POLE has not been established as a mechanism of disease for POLE-related polymerase proofreading-associated polyposis (PPAP) and POLE-related CMMRD-like syndrome. Based on the supporting evidence, this variant is expected to be causative of POLE deficiency when present along with a second pathogenic variant on the other allele; however, its clinical significance for PPAP and POLE-related CMMRD-like syndrome is unclear.

NM_006231.4(POLE):c.357_361del (p.Leu120fs)

Gene: POLE (DNA polymerase epsilon, catalytic subunit; minus strand). Cytogenetic location: 12q24.33.
Variant type: Deletion.
Coding change: c.357_361del on transcript NM_006231.4 (MANE Select); coding-DNA positions 357 to 361, 5 bases deleted (TCTCT; older notation c.357_361delTCTCT).
Protein change: p.Leu120fs; shifts the reading frame from leucine 120.
Molecular consequence: frameshift variant.
Genome position (GRCh38, 1-based): chr12:132,680,016-132,680,020, AGAGA deleted on the plus strand (TCTCT on the coding strand, the reverse complement: POLE is on the minus strand); deleting any 5 consecutive bases within chr12:132,680,016-132,680,021 gives the same sequence; the c. name uses the placement nearest the transcript's 3' end. VCF-style (leftmost placement, unchanged base first): chr12-132680015-GAGAGA-G. GRCh37 (hg19) VCF-style: chr12-133256601-GAGAGA-G.
Other names: short protein forms L120fs.
Identifiers: ClinVar variation 4671294 (VCV004671294.1).